The following is an entry in ClinVar:

NM_001372.4(DNAH9):c.1116+1G>A

Gene: DNAH9 (dynein axonemal heavy chain 9; plus strand). Cytogenetic location: 17p12.
Variant type: single nucleotide variant.
Coding change: c.1116+1G>A on transcript NM_001372.4 (MANE Select); the canonical splice donor site of the intron after coding-DNA position 1116, G replaced by A.
Molecular consequence: splice donor variant.
Genome position (GRCh38, 1-based): chr17:11,617,623, G>A. VCF-style: chr17-11617623-G-A. GRCh37 (hg19) VCF-style: chr17-11520940-G-A.
Identifiers: ClinVar variation 3684745 (VCV003684745.2).
Genomic context (GRCh38, chr17:11,617,623, plus strand): 5'-CGCTCCCCGGGAAGGCTGACTGTGCTGCTCCAGGAGATTTGCAACCTTCTCATCCAGCAG[G>A]TGGGCTGCCCTGGGATGCCCAGCAACTGCTCCCTGGGGGCTGGTTGGCATCTAGTCACAG-3'

ClinVar aggregate classification (germline): Likely pathogenic (1 of 4 stars; one submission).

Submission:

Labcorp Genetics (formerly Invitae), Labcorp
Classification: Likely pathogenic. Last evaluated: 2024-12-23. Review status: criteria provided, single submitter. Criteria: Invitae Variant Classification Sherloc (09022015). Collection method: clinical testing. Allele origin: germline.
Comment: This sequence change affects a donor splice site in intron 5 of the DNAH9 gene. It is expected to disrupt RNA splicing. Variants that disrupt the donor or acceptor splice site typically lead to a loss of protein function (PMID: 16199547), and loss-of-function variants in DNAH9 are known to be pathogenic (PMID: 30471718). This variant is not present in population databases (gnomAD no frequency). This variant has not been reported in the literature in individuals affected with DNAH9-related conditions. Algorithms developed to predict the effect of sequence changes on RNA splicing suggest that this variant may disrupt the consensus splice site. In summary, the currently available evidence indicates that the variant is pathogenic, but additional data are needed to prove that conclusively. Therefore, this variant has been classified as Likely Pathogenic.

Literature cited by the submitters: PubMed 16199547; PubMed 30471718.